The following is an entry in ClinVar:

ClinVar aggregate classification (germline): Uncertain significance (1 of 4 stars; one submission).

Allele frequency attached by ClinVar (database versions not stated): gnomAD exomes below 0.00001; TOPMed 0.00001; gnomAD 0.00002.

Submission:

Labcorp Genetics (formerly Invitae), Labcorp
Classification: Uncertain significance. Last evaluated: 2022-05-13. Review status: criteria provided, single submitter. Criteria: Invitae Variant Classification Sherloc (09022015). Collection method: clinical testing. Allele origin: germline.
Comment: In summary, the available evidence is currently insufficient to determine the role of this variant in disease. Therefore, it has been classified as a Variant of Uncertain Significance. Algorithms developed to predict the effect of missense changes on protein structure and function are either unavailable or do not agree on the potential impact of this missense change (SIFT: "Deleterious"; PolyPhen-2: "Benign"; Align-GVGD: "Class C0"). This variant has not been reported in the literature in individuals affected with CACNA2D4-related conditions. The frequency data for this variant in the population databases is considered unreliable, as metrics indicate poor data quality at this position in the gnomAD database. This sequence change replaces glutamic acid, which is acidic and polar, with lysine, which is basic and polar, at codon 156 of the CACNA2D4 protein (p.Glu156Lys).

NM_172364.5(CACNA2D4):c.466G>A (p.Glu156Lys)

Gene: CACNA2D4 (calcium voltage-gated channel auxiliary subunit alpha2delta 4; minus strand). Cytogenetic location: 12p13.33.
Variant type: single nucleotide variant.
Coding change: c.466G>A on transcript NM_172364.5 (MANE Select); coding-DNA position 466, G replaced by A.
Protein change: p.Glu156Lys; replaces glutamic acid 156 with lysine.
Molecular consequence: missense variant.
Genome position (GRCh38, 1-based): chr12:1,909,926, C>T on the plus strand (G>A on the coding strand, the complement: CACNA2D4 is on the minus strand). VCF-style: chr12-1909926-C-T. GRCh37 (hg19) VCF-style: chr12-2019092-C-T.
Other names: short protein forms E156K.
Identifiers: ClinVar variation 1994015 (VCV001994015.4), dbSNP rs954675574, ClinGen allele CA231584356.